The following is an entry in ClinVar:

NM_006904.7(PRKDC):c.3412A>G (p.Ile1138Val)

Gene: PRKDC (protein kinase, DNA-activated, catalytic subunit; minus strand). Cytogenetic location: 8q11.21.
Variant type: single nucleotide variant.
Coding change: c.3412A>G on transcript NM_006904.7 (MANE Select); coding-DNA position 3412, A replaced by G.
Protein change: p.Ile1138Val; replaces isoleucine 1138 with valine.
Molecular consequence: missense variant.
Genome position (GRCh38, 1-based): chr8:47,898,522, T>C on the plus strand (A>G on the coding strand, the complement: PRKDC is on the minus strand). VCF-style: chr8-47898522-T-C. GRCh37 (hg19) VCF-style: chr8-48811082-T-C.
Other names: c.3412A>G, p.Ile1138Val (NM_001081640.2); short protein forms I1138V.
Identifiers: ClinVar variation 3310034 (VCV003310034.1).

ClinVar aggregate classification (germline): Uncertain significance (1 of 4 stars; one submission).

gnomAD v4.1: 3 of 1,564,374 alleles (0.00019%); highest among the groups gnomAD compares: Admixed American, 0.0036%; no homozygotes.

Submission:

Ambry Genetics
Classification: Uncertain significance. Last evaluated: 2024-03-21. Review status: criteria provided, single submitter. Criteria: Ambry Variant Classification Scheme 2023. Collection method: clinical testing. Allele origin: germline.
Comment: The p.I1138V variant (also known as c.3412A>G), located in coding exon 29 of the PRKDC gene, results from an A to G substitution at nucleotide position 3412. The isoleucine at codon 1138 is replaced by valine, an amino acid with highly similar properties. This amino acid position is conserved. In addition, this alteration is predicted to be tolerated by in silico analysis. Based on the available evidence, the clinical significance of this alteration remains unclear.